The following is an entry in ClinVar:

NM_014989.7(RIMS1):c.928C>T (p.Arg310Cys)

Gene: RIMS1 (regulating synaptic membrane exocytosis 1; plus strand). Cytogenetic location: 6q13.
Variant type: single nucleotide variant.
Coding change: c.928C>T on transcript NM_014989.7 (MANE Select); coding-DNA position 928, C replaced by T.
Protein change: p.Arg310Cys; replaces arginine 310 with cysteine.
Molecular consequence: missense variant.
Genome position (GRCh38, 1-based): chr6:72,182,399, C>T. VCF-style: chr6-72182399-C-T. GRCh37 (hg19) VCF-style: chr6-72892102-C-T.
Other names: short protein forms R310C.
Identifiers: ClinVar variation 838989 (VCV000838989.13), dbSNP rs758719701, ClinGen allele CA3885623.
Genomic context (GRCh38, chr6:72,182,399, plus strand): 5'-CGGAAACGCGTGCCAAAGACCTCAGCGCAGCCCGTGGAGGGGGCCGTCGAAGAACGGGAG[C>T]GCAAAGAAAGGCGGGAAAGCCGAAGGCTTGAGAAAGGGCGATCACAGGATTACCCAGACA-3'
Protein context (NP_055804.2, residues 300-320): PVEGAVEERE[Arg310Cys]KERRESRRLE

ClinVar aggregate classification (germline): Likely benign. Review status: criteria provided, multiple submitters, no conflicts (2 of 4 stars). 2 submissions from 2 submitters: Likely benign (2). Last evaluated 2025-09-29.

Conditions:
Cone-rod dystrophy 7 (CORD7). Identifiers: Orphanet 1872, MedGen C1863634, MONDO:0011355, OMIM 603649.

Allele frequency attached by ClinVar (database versions not stated): 1000 Genomes Project 30x 0.00031; ExAC 0.00010; TOPMed 0.00006.
gnomAD v4.1: 126 of 1,613,770 alleles (0.0078%); highest among the groups gnomAD compares: Admixed American, 0.043%; no homozygotes.

Submissions (2):

Labcorp Genetics (formerly Invitae), Labcorp
Classification: Likely benign. Last evaluated: 2025-09-29. Review status: criteria provided, single submitter. Criteria: Invitae Variant Classification Sherloc (09022015). Collection method: clinical testing. Allele origin: germline.

Illumina Laboratory Services, Illumina
Classification: Likely benign for Cone-rod dystrophy 7. Last evaluated: 2018-01-13. Review status: criteria provided, single submitter. Criteria: ICSL Variant Classification Criteria 13 December 2019. Collection method: clinical testing. Allele origin: germline.
Comment: This variant was observed in the ICSL laboratory as part of a predisposition screen in an ostensibly healthy population. It had not been previously curated by ICSL or reported in the Human Gene Mutation Database (HGMD: prior to June 1st, 2018), and was therefore a candidate for classification through an automated scoring system. Utilizing variant allele frequency, disease prevalence and penetrance estimates, and inheritance mode, an automated score was calculated to assess if this variant is too frequent to cause the disease. Based on the score and internal cut-off values, a variant classified as likely benign is not then subjected to further curation. The score for this variant resulted in a classification of likely benign for this disease.